The following is an entry in ClinVar:

NM_198576.4(AGRN):c.1301G>T (p.Arg434Leu)

Gene: AGRN (agrin; plus strand). Cytogenetic location: 1p36.33.
Variant type: single nucleotide variant.
Coding change: c.1301G>T on transcript NM_198576.4 (MANE Select); coding-DNA position 1301, G replaced by T.
Protein change: p.Arg434Leu; replaces arginine 434 with leucine.
Molecular consequence: missense variant.
Genome position (GRCh38, 1-based): chr1:1,042,079, G>T. VCF-style: chr1-1042079-G-T. GRCh37 (hg19) VCF-style: chr1-977459-G-T.
Other names: c.1301G>T, p.Arg434Leu (NM_001305275.2); c.986G>T, p.Arg329Leu (NM_001364727.2); short protein forms R329L, R434L.
Identifiers: ClinVar variation 2662844 (VCV002662844.2), dbSNP rs758854920, ClinGen allele CA508107.

ClinVar aggregate classification (germline): Uncertain significance. Review status: criteria provided, multiple submitters, no conflicts (2 of 4 stars). 2 submissions from 2 submitters: Uncertain significance (2). Last evaluated 2025-09-10.

Conditions:
Inborn genetic diseases. Identifiers: MedGen C0950123, MeSH D030342.

Allele frequency attached by ClinVar (database versions not stated): gnomAD 0.00001; ExAC 0.00003.
gnomAD v4.1: 14 of 1,605,900 alleles (0.00087%); highest among the groups gnomAD compares: South Asian, 0.014%; no homozygotes.

Submissions (2):

Ambry Genetics
Classification: Uncertain significance for Inborn genetic diseases. Last evaluated: 2025-09-10. Review status: criteria provided, single submitter. Criteria: Ambry Variant Classification Scheme 2023. Collection method: clinical testing. Allele origin: germline.

GeneDx
Classification: Uncertain significance. Last evaluated: 2023-05-04. Review status: criteria provided, single submitter. Criteria: GeneDx Variant Classification Process June 2021. Collection method: clinical testing. Allele origin: germline. Affected: yes.
Comment: In silico analysis supports that this missense variant has a deleterious effect on protein structure/function; Has not been previously published as pathogenic or benign to our knowledge